The following is an entry in ClinVar:

NM_001852.4(COL9A2):c.1342G>A (p.Gly448Ser)

Gene: COL9A2 (collagen type IX alpha 2 chain; minus strand). Cytogenetic location: 1p34.2.
Variant type: single nucleotide variant.
Coding change: c.1342G>A on transcript NM_001852.4 (MANE Select); coding-DNA position 1342, G replaced by A.
Protein change: p.Gly448Ser; replaces glycine 448 with serine.
Molecular consequence: missense variant.
Genome position (GRCh38, 1-based): chr1:40,303,954, C>T on the plus strand (G>A on the coding strand, the complement: COL9A2 is on the minus strand). VCF-style: chr1-40303954-C-T. GRCh37 (hg19) VCF-style: chr1-40769626-C-T.
Other names: short protein forms G448S.
Identifiers: ClinVar variation 1341527 (VCV001341527.2), dbSNP rs2124049861, ClinGen allele CA339879925.

ClinVar aggregate classification (germline): Uncertain significance. Review status: criteria provided, multiple submitters, no conflicts (2 of 4 stars). 2 submissions from 2 submitters: Uncertain significance (2). Last evaluated 2025-08-29.

Conditions:
Epiphyseal dysplasia, multiple, 2 (EDM2). Also called: COL9A2-Related Multiple Epiphyseal Dysplasia. Identifiers: MedGen C1838429, MONDO:0010844, OMIM 600204.

gnomAD v4.1: 1 of 1,561,990 alleles (0.000064%); highest among the groups gnomAD compares: Non-Finnish European, 0.000087%; no homozygotes.

Submissions (2):

Labcorp Genetics (formerly Invitae), Labcorp
Classification: Uncertain significance. Last evaluated: 2025-08-29. Review status: criteria provided, single submitter. Criteria: Invitae Variant Classification Sherloc (09022015). Collection method: clinical testing. Allele origin: germline.
Comment: This sequence change replaces glycine, which is neutral and non-polar, with serine, which is neutral and polar, at codon 448 of the COL9A2 protein (p.Gly448Ser). This variant is not present in population databases (gnomAD no frequency). This variant has not been reported in the literature in individuals affected with COL9A2-related conditions. ClinVar contains an entry for this variant (Variation ID: 1341527). Invitae Evidence Modeling of protein sequence and biophysical properties (such as structural, functional, and spatial information, amino acid conservation, physicochemical variation, residue mobility, and thermodynamic stability) indicates that this missense variant is expected to disrupt COL9A2 protein function with a positive predictive value of 95%. In summary, the available evidence is currently insufficient to determine the role of this variant in disease. Therefore, it has been classified as a Variant of Uncertain Significance.

Suma Genomics
Classification: Uncertain significance for Epiphyseal dysplasia, multiple, 2. Review status: criteria provided, single submitter. Criteria: ACMG Guidelines, 2015. Collection method: clinical testing. Allele origin: inherited. Inheritance: Autosomal dominant inheritance. Affected: yes.